The following is an entry in ClinVar:

ClinVar aggregate classification (germline): Uncertain significance (1 of 4 stars; one submission).

Conditions:
PLP1-related disorder. Also called: PLP1-related condition; PLP1-Related Disorders. Identifiers: MedGen CN378767.

Allele frequency attached by ClinVar (database versions not stated): gnomAD exomes below 0.00001; gnomAD 0.00001.
gnomAD v4.1: 3 of 1,209,754 alleles (0.00025%); highest among the groups gnomAD compares: African/African-American, 0.0053%; no homozygotes.

Submission:

PreventionGenetics, part of Exact Sciences
Classification: Uncertain significance for PLP1-related condition. Last evaluated: 2023-07-14. Review status: criteria provided, single submitter. Criteria: ACMG Guidelines, 2015. Collection method: clinical testing. Allele origin: germline.
Comment: The PLP1 c.308A>G variant is predicted to result in the amino acid substitution p.Asp103Gly. To our knowledge, this variant has not been reported in the literature or in a large population database, indicating this variant is rare. At this time, the clinical significance of this variant is uncertain due to the absence of conclusive functional and genetic evidence.

NM_000533.5(PLP1):c.308A>G (p.Asp103Gly)

Genes: PLP1 (proteolipid protein 1; plus strand), RAB9B (RAB9B, member RAS oncogene family; minus strand). Cytogenetic location: Xq22.2.
Variant type: single nucleotide variant.
Coding change: c.308A>G on transcript NM_000533.5 (MANE Select); coding-DNA position 308, A replaced by G.
Protein change: p.Asp103Gly; replaces aspartic acid 103 with glycine.
Molecular consequence: missense variant.
Genome position (GRCh38, 1-based): chrX:103,786,581, A>G. VCF-style: chrX-103786581-A-G. GRCh37 (hg19) VCF-style: chrX-103041510-A-G.
Other names: c.308A>G, p.Asp103Gly (NM_001128834.3, NM_199478.3); c.143A>G, p.Asp48Gly (NM_001305004.1); short protein forms D103G, D48G.
Identifiers: ClinVar variation 2631183 (VCV002631183.1), dbSNP rs2074498902, ClinGen allele CA414102653.
Genomic context (GRCh38, chrX:103,786,581, plus strand): 5'-GGGCCCTCCTGCTGGCTGAGGGCTTCTACACCACCGGCGCAGTCAGGCAGATCTTTGGCG[A>G]CTACAAGACCACCATCTGCGGCAAGGGCCTGAGCGCAACGGTAACAGGGGGCCAGAAGGG-3'
Protein context (NP_000524.3, residues 93-113): TTGAVRQIFG[Asp103Gly]YKTTICGKGL